The following is an entry in ClinVar:

NM_006160.4(NEUROD2):c.313G>T (p.Gly105Trp)

Gene: NEUROD2 (neuronal differentiation 2; minus strand). Cytogenetic location: 17q12.
Variant type: single nucleotide variant.
Coding change: c.313G>T on transcript NM_006160.4 (MANE Select); coding-DNA position 313, G replaced by T.
Protein change: p.Gly105Trp; replaces glycine 105 with tryptophan.
Molecular consequence: missense variant.
Genome position (GRCh38, 1-based): chr17:39,606,287, C>A on the plus strand (G>T on the coding strand, the complement: NEUROD2 is on the minus strand). VCF-style: chr17-39606287-C-A. GRCh37 (hg19) VCF-style: chr17-37762540-C-A.
Other names: short protein forms G105W.
Identifiers: ClinVar variation 3665106 (VCV003665106.2).
Genomic context (GRCh38, chr17:39,606,287, plus strand): 5'-TCTGCCGCCGAAGCTTGGAGCGCTCCAAGCGCGCCTTGGTCATCTTGCGCTTCTTGGGCC[C>A]GCGCTTCTTGGGCCGCTCGCCCTCCGCCTCGTCCAGTCCTTCTTCCTCCTCCTCTTCCTC-3'
Protein context (NP_006151.3, residues 95-115): EAEGERPKKR[Gly105Trp]PKKRKMTKAR

ClinVar aggregate classification (germline): Uncertain significance (1 of 4 stars; one submission).

Submission:

Labcorp Genetics (formerly Invitae), Labcorp
Classification: Uncertain significance. Last evaluated: 2024-12-04. Review status: criteria provided, single submitter. Criteria: Invitae Variant Classification Sherloc (09022015). Collection method: clinical testing. Allele origin: germline.
Comment: This sequence change replaces glycine, which is neutral and non-polar, with tryptophan, which is neutral and slightly polar, at codon 105 of the NEUROD2 protein (p.Gly105Trp). This variant is not present in population databases (gnomAD no frequency). This variant has not been reported in the literature in individuals affected with NEUROD2-related conditions. Invitae Evidence Modeling of protein sequence and biophysical properties (such as structural, functional, and spatial information, amino acid conservation, physicochemical variation, residue mobility, and thermodynamic stability) indicates that this missense variant is expected to disrupt NEUROD2 protein function with a positive predictive value of 80%. In summary, the available evidence is currently insufficient to determine the role of this variant in disease. Therefore, it has been classified as a Variant of Uncertain Significance.